The following is an entry in ClinVar:

ClinVar aggregate classification (germline): Uncertain significance (1 of 4 stars; one submission).

Submission:

Ambry Genetics
Classification: Uncertain significance. Last evaluated: 2023-03-17. Review status: criteria provided, single submitter. Criteria: Ambry Variant Classification Scheme 2023. Collection method: clinical testing. Allele origin: germline.
Comment: The c.1007delG variant, located in coding exon 5 of the GALNT12 gene, results from a deletion of one nucleotide at nucleotide position 1007, causing a translational frameshift with a predicted alternate stop codon (p.G336Efs*75). This alteration is expected to result in loss of function by premature protein truncation or nonsense-mediated mRNA decay. The evidence for this gene-disease relationship is limited; therefore, the clinical significance of this alteration is unclear.

NM_024642.5(GALNT12):c.1007del (p.Gly336fs)

Gene: GALNT12 (polypeptide N-acetylgalactosaminyltransferase 12; plus strand). Cytogenetic location: 9q22.33.
Variant type: Deletion.
Coding change: c.1007del on transcript NM_024642.5 (MANE Select); coding-DNA position 1007, one base deleted (G; older notation c.1007delG).
Protein change: p.Gly336fs; shifts the reading frame from glycine 336.
Molecular consequence: frameshift variant.
Genome position (GRCh38, 1-based): chr9:98,835,338, G deleted; the last of 4 consecutive G bases (chr9:98,835,335-98,835,338); deleting any one gives the same sequence. VCF-style (leftmost placement, unchanged base first): chr9-98835334-TG-T. GRCh37 (hg19) VCF-style: chr9-101597616-TG-T.
Other names: short protein forms G336fs.
Identifiers: ClinVar variation 2566244 (VCV002566244.2), dbSNP rs2490527689, ClinGen allele CA2580616324.
Genomic context (GRCh38, chr9:98,835,334, plus strand): 5'-TTTGCTGTGAGTAAGAAATATTTTGAATATCTGGGGTCTTATGATACAGGAATGGAAGTT[TG>T]GGGAGGAGAAAACCTCGAATTTTCCTTTAGGGTAAGTATTTCAGTCTTCTCTTTGGACAT-3'